The following is an entry in ClinVar:

NM_000384.3(APOB):c.1681G>A (p.Ala561Thr)

Gene: APOB (apolipoprotein B; minus strand). Cytogenetic location: 2p24.1.
Variant type: single nucleotide variant.
Coding change: c.1681G>A on transcript NM_000384.3 (MANE Select); coding-DNA position 1681, G replaced by A.
Protein change: p.Ala561Thr; replaces alanine 561 with threonine.
Molecular consequence: missense variant.
Genome position (GRCh38, 1-based): chr2:21,028,475, C>T on the plus strand (G>A on the coding strand, the complement: APOB is on the minus strand). VCF-style: chr2-21028475-C-T. GRCh37 (hg19) VCF-style: chr2-21251347-C-T.
Other names: short protein forms A561T.
Identifiers: ClinVar variation 936951 (VCV000936951.12), dbSNP rs1191786099, ClinGen allele CA346014734.
Genomic context (GRCh38, chr2:21,028,475, plus strand): 5'-GAATTTGGACAATTTTGTTAATATCTGCCTGTGAAGGACTCCTCATCAACATAAGATAGG[C>T]AGCCAGTCGCTTATCTCCCGGAGAAGCATCATCAAGGAAAGTCTGAAGAAGAACCTCCTG-3'
Protein context (NP_000375.3, residues 551-571): DASPGDKRLA[Ala561Thr]YLMLMRSPSQ

ClinVar aggregate classification (germline): Uncertain significance (1 of 4 stars; one submission).

Conditions:
Familial hypobetalipoproteinemia 1. Also called: Hypobetalipoproteinemia, normotriglyceridemic; Acanthocytosis with hypobetalipoproteinemia; APOB-Related Familial Hypobetalipoproteinemia. Identifiers: MedGen C4551990, MONDO:0014252, OMIM 615558.
Hypercholesterolemia, autosomal dominant, type B (FHCL2). Also called: Familial Hypercholesterolemia Type B; HYPERCHOLESTEROLEMIA, FAMILIAL, DUE TO LIGAND-DEFECTIVE APOLIPOPROTEIN B; Familial hypercholesterolemia 2; APOB-Related Familial Hypercholesterolemia, Autosomal Dominant; APOLIPOPROTEIN B-100, FAMILIAL DEFECTIVE; APOLIPOPROTEIN B-100, FAMILIAL LIGAND-DEFECTIVE. Identifiers: MedGen C1704417, MONDO:0007751, OMIM 144010.

Allele frequency attached by ClinVar (database versions not stated): gnomAD exomes below 0.00001.
gnomAD v4.1: 1 of 1,614,006 alleles (0.000062%); highest among the groups gnomAD compares: South Asian, 0.0011%; no homozygotes.

Submission:

Labcorp Genetics (formerly Invitae), Labcorp
Classification: Uncertain significance for Familial hypobetalipoproteinemia 1; Hypercholesterolemia, autosomal dominant, type B. Last evaluated: 2019-05-30. Review status: criteria provided, single submitter. Criteria: Invitae Variant Classification Sherloc (09022015). Collection method: clinical testing. Allele origin: germline.
Comment: This sequence change replaces alanine with threonine at codon 561 of the APOB protein (p.Ala561Thr). The alanine residue is moderately conserved and there is a small physicochemical difference between alanine and threonine. This variant is not present in population databases (ExAC no frequency). This variant has not been reported in the literature in individuals with APOB-related conditions. In summary, the available evidence is currently insufficient to determine the role of this variant in disease. Therefore, it has been classified as a Variant of Uncertain Significance. Algorithms developed to predict the effect of missense changes on protein structure and function are either unavailable or do not agree on the potential impact of this missense change (SIFT: "Tolerated"; PolyPhen-2: "Probably Damaging"; Align-GVGD: "Class C0").